The following is an entry in ClinVar:

NM_000059.4(BRCA2):c.6712G>A (p.Asp2238Asn)

Gene: BRCA2 (BRCA2 DNA repair associated; plus strand). Cytogenetic location: 13q13.1.
Variant type: single nucleotide variant.
Coding change: c.6712G>A on transcript NM_000059.4 (MANE Select); coding-DNA position 6712, G replaced by A.
Protein change: p.Asp2238Asn; replaces aspartic acid 2238 with asparagine.
Molecular consequence: missense variant.
Genome position (GRCh38, 1-based): chr13:32,341,067, G>A. VCF-style: chr13-32341067-G-A. GRCh37 (hg19) VCF-style: chr13-32915204-G-A.
Other names: short protein forms D2238N.
Identifiers: ClinVar variation 483117 (VCV000483117.17), dbSNP rs749590229, ClinGen allele CA6940976.
Genomic context (GRCh38, chr13:32,341,067, plus strand): 5'-GATTCAGAAAACTACTTTGAAACAGAAGCAGTAGAAATTGCTAAAGCTTTTATGGAAGAT[G>A]ATGAACTGACAGATTCTAAACTGCCAAGTCATGCCACACATTCTCTTTTTACATGTCCCG-3'
Protein context (NP_000050.3, residues 2228-2248): VEIAKAFMED[Asp2238Asn]ELTDSKLPSH

ClinVar aggregate classification (germline): Conflicting classifications of pathogenicity. Review status: criteria provided, conflicting classifications (1 of 4 stars). 5 submissions from 5 submitters: Uncertain significance (4); Likely benign (1). Last evaluated 2025-12-09.

Conditions:
Hereditary breast ovarian cancer syndrome. Also called: Breast and ovarian cancer; Hereditary breast and/or ovarian cancer syndrome; BRCA1- and BRCA2-Associated Hereditary Breast and Ovarian Cancer; Hereditary breast and ovarian cancer syndrome; Hereditary breast and ovarian cancer syndrome (HBOC); Hereditary breast and ovarian cancer. Identifiers: Orphanet 145, MedGen C0677776, MeSH D061325, MONDO:0003582. Disease mechanism: loss of function.
Breast-ovarian cancer, familial, susceptibility to, 1 (BROVCA1). Also called: BRCA1 Hereditary Breast and Ovarian Cancer; OVARIAN CANCER, SUSCEPTIBILITY TO. Identifiers: Orphanet 145, MedGen C2676676, MONDO:0011450, OMIM 604370. Disease mechanism: loss of function.
Hereditary cancer-predisposing syndrome. Also called: Tumor predisposition; Hereditary Cancer Syndrome; Hereditary neoplastic syndrome; Neoplastic Syndromes, Hereditary. Identifiers: Orphanet 140162, MedGen C0027672, MeSH D009386, MONDO:0015356.

Allele frequency attached by ClinVar (database versions not stated): gnomAD exomes below 0.00001; ExAC 0.00001.

Submissions (5):

Labcorp Genetics (formerly Invitae), Labcorp
Classification: Uncertain significance for Hereditary breast ovarian cancer syndrome. Last evaluated: 2025-12-09. Review status: criteria provided, single submitter. Criteria: Invitae Variant Classification Sherloc (09022015). Collection method: clinical testing. Allele origin: germline.
Comment: This sequence change replaces aspartic acid, which is acidic and polar, with asparagine, which is neutral and polar, at codon 2238 of the BRCA2 protein (p.Asp2238Asn). This variant is present in population databases (rs749590229, gnomAD 0.0009%). This variant has not been reported in the literature in individuals affected with BRCA2-related conditions. ClinVar contains an entry for this variant (Variation ID: 483117). Invitae Evidence Modeling of protein sequence and biophysical properties (such as structural, functional, and spatial information, amino acid conservation, physicochemical variation, residue mobility, and thermodynamic stability) indicates that this missense variant is not expected to disrupt BRCA2 protein function with a negative predictive value of 95%. In summary, the available evidence is currently insufficient to determine the role of this variant in disease. Therefore, it has been classified as a Variant of Uncertain Significance.

Institute of Immunology and Genetics Kaiserslautern
Classification: Uncertain significance for Breast-ovarian cancer, familial, susceptibility to, 1. Last evaluated: 2024-10-29. Review status: criteria provided, single submitter. Criteria: ACMG Guidelines, 2015. Collection method: clinical testing. Allele origin: germline. Affected: yes.
Comment: ACMG Criteria: PM2_p; Variant was found in heterozygous state

Color Diagnostics, LLC DBA Color Health
Classification: Uncertain significance for Hereditary cancer-predisposing syndrome. Last evaluated: 2024-05-31. Review status: criteria provided, single submitter. Criteria: ACMG Guidelines, 2015. Collection method: clinical testing. Allele origin: germline.
Comment: This missense variant replaces aspartic acid with asparagine at codon 2238 of the BRCA2 protein. Computational prediction suggests that this variant may not impact protein structure and function. To our knowledge, functional studies have not been reported for this variant. This variant has been reported in individual affected with breast cancer (PMID: 25186627, 25503501. This variant has been identified in 1/251326 chromosomes in the general population by the Genome Aggregation Database (gnomAD). The available evidence is insufficient to determine the role of this variant in disease conclusively. Therefore, this variant is classified as a Variant of Uncertain Significance.

University of Washington Department of Laboratory Medicine, University of Washington
Classification: Likely benign for Hereditary cancer-predisposing syndrome. Last evaluated: 2023-03-23. Review status: criteria provided, single submitter. Criteria: Dines et al. (Genet Med. 2020). Collection method: curation. Allele origin: germline.
Comment: Missense variant in a coldspot region where missense variants are very unlikely to be pathogenic (PMID:31911673).

BRCA2 exon 11 coldspot. Reclassification based on statistical prior probability.

Ambry Genetics
Classification: Uncertain significance for Hereditary cancer-predisposing syndrome. Last evaluated: 2023-02-21. Review status: criteria provided, single submitter. Criteria: Ambry Variant Classification Scheme 2023. Collection method: clinical testing. Allele origin: germline.
Comment: The p.D2238N variant (also known as c.6712G>A), located in coding exon 10 of the BRCA2 gene, results from a G to A substitution at nucleotide position 6712. The aspartic acid at codon 2238 is replaced by asparagine, an amino acid with highly similar properties. This amino acid position is poorly conserved in available vertebrate species. In addition, this alteration is predicted to be tolerated by in silico analysis. Since supporting evidence is limited at this time, the clinical significance of this alteration remains unclear.

Literature cited by the submitters: PubMed 25186627 (cited by Color Diagnostics, LLC DBA Color Health).